The following is an entry in ClinVar:

ClinVar aggregate classification (germline): Uncertain significance (1 of 4 stars; one submission).

gnomAD v4.1: 3 of 1,614,040 alleles (0.00019%); highest among the groups gnomAD compares: Non-Finnish European, 0.00025%; no homozygotes.

Submission:

Labcorp Genetics (formerly Invitae), Labcorp
Classification: Uncertain significance. Last evaluated: 2022-02-24. Review status: criteria provided, single submitter. Criteria: Invitae Variant Classification Sherloc (09022015). Collection method: clinical testing. Allele origin: germline.
Comment: This sequence change replaces methionine, which is neutral and non-polar, with isoleucine, which is neutral and non-polar, at codon 2 of the APTX protein (p.Met2Ile). This variant is present in population databases (rs765502617, gnomAD 0.0009%). This variant has not been reported in the literature in individuals affected with APTX-related conditions. Algorithms developed to predict the effect of missense changes on protein structure and function (SIFT, PolyPhen-2, Align-GVGD) all suggest that this variant is likely to be tolerated. In summary, the available evidence is currently insufficient to determine the role of this variant in disease. Therefore, it has been classified as a Variant of Uncertain Significance.

NM_001195248.2(APTX):c.6G>T (p.Met2Ile)

Gene: APTX (aprataxin; minus strand). Cytogenetic location: 9p21.1.
Variant type: single nucleotide variant.
Coding change: c.6G>T on transcript NM_001195248.2 (MANE Select); coding-DNA position 6, G replaced by T.
Protein change: p.Met2Ile; replaces methionine 2 with isoleucine.
Molecular consequence: missense variant. On other transcripts: 5 prime UTR variant (8), non-coding transcript variant (13).
Genome position (GRCh38, 1-based): chr9:32,989,886, C>A on the plus strand (G>T on the coding strand, the complement: APTX is on the minus strand). VCF-style: chr9-32989886-C-A. GRCh37 (hg19) VCF-style: chr9-32989884-C-A.
Other names: c.6G>T, p.Met2Ile (NM_001195249.2, NM_001195250.2, NM_001195251.2 and 11 more transcripts); c.-254G>T (NM_001369002.1, NM_001369003.1, NM_001369005.1 and 4 more transcripts); c.-212G>T (NM_001369004.1); c.-402G>T (NM_175071.1); short protein forms M2I.
Identifiers: ClinVar variation 1930421 (VCV001930421.5), dbSNP rs765502617, ClinGen allele CA5022676.